The following is an entry in ClinVar:

ClinVar aggregate classification (germline): Pathogenic (1 of 4 stars; one submission).

Submission:

CeGaT Center for Human Genetics Tuebingen
Classification: Pathogenic. Last evaluated: 2022-10-01. Review status: criteria provided, single submitter. Criteria: CeGaT Center For Human Genetics Tuebingen Variant Classification Criteria Version 2. Collection method: clinical testing. Allele origin: germline. Affected: yes. Observed: 1 variant allele.
Comment: SPAST: PVS1, PM2

NM_014946.4(SPAST):c.59_61delinsA (p.Val20fs)

Gene: SPAST (spastin; plus strand). Cytogenetic location: 2p22.3.
Variant type: Indel.
Coding change: c.59_61delinsA on transcript NM_014946.4 (MANE Select); coding-DNA positions 59 to 61, TGC replaced by A.
Protein change: p.Val20fs; shifts the reading frame from valine 20.
Molecular consequence: frameshift variant.
Genome position (GRCh38, 1-based): chr2:32,063,890-32,063,892, TGC replaced by A. VCF-style: chr2-32063890-TGC-A. GRCh37 (hg19) VCF-style: chr2-32288959-TGC-A.
Other names: c.59_61delinsA, p.Val20fs (NM_001363823.2, NM_001363875.2, NM_001377959.1 and 1 more transcripts); short protein forms V20fs.
Identifiers: ClinVar variation 1879460 (VCV001879460.29), dbSNP rs2465679807, ClinGen allele CA2580066368.